The following is an entry in ClinVar:

ClinVar aggregate classification (germline): Uncertain significance (1 of 4 stars; one submission).

Conditions:
Hereditary cancer-predisposing syndrome. Also called: Neoplastic Syndromes, Hereditary; Tumor predisposition; Hereditary Cancer Syndrome; Hereditary neoplastic syndrome. Identifiers: Orphanet 140162, MedGen C0027672, MeSH D009386, MONDO:0015356.

Submission:

Ambry Genetics
Classification: Uncertain significance for Hereditary cancer-predisposing syndrome. Last evaluated: 2022-07-27. Review status: criteria provided, single submitter. Criteria: Ambry Variant Classification Scheme 2023. Collection method: clinical testing. Allele origin: germline.
Comment: The p.I1013L variant (also known as c.3037A>C), located in coding exon 10 of the PALB2 gene, results from an A to C substitution at nucleotide position 3037. The isoleucine at codon 1013 is replaced by leucine, an amino acid with highly similar properties. This variant was not reported in population based cohorts in the following databases: Database of Single Nucleotide Polymorphisms (dbSNP), NHLBI Exome Sequencing Project (ESP), and 1000 Genomes Project. In the ESP, this variant was not observed in 6497 samples (12994 alleles) with coverage at this position. To date, this alteration has been detected with an allele frequency of approximately 0.001% (greater than 130000 alleles tested) in our clinical cohort. This amino acid position is not well conserved in available vertebrate species. In addition, this alteration is predicted to be tolerated by in silico analysis. Since supporting evidence is limited at this time, the clinical significance of this alteration remains unclear.

NM_024675.4(PALB2):c.3037A>C (p.Ile1013Leu)

Gene: PALB2 (partner and localizer of BRCA2; minus strand). Cytogenetic location: 16p12.2.
Variant type: single nucleotide variant.
Coding change: c.3037A>C on transcript NM_024675.4 (MANE Select); coding-DNA position 3037, A replaced by C.
Protein change: p.Ile1013Leu; replaces isoleucine 1013 with leucine.
Molecular consequence: missense variant.
Genome position (GRCh38, 1-based): chr16:23,621,438, T>G on the plus strand (A>C on the coding strand, the complement: PALB2 is on the minus strand). VCF-style: chr16-23621438-T-G. GRCh37 (hg19) VCF-style: chr16-23632759-T-G.
Other names: c.1249A>C, p.Ile417Leu (NM_001407313.1, NM_001407312.1); c.571A>C, p.Ile191Leu (NM_001407314.1); c.2977A>C, p.Ile993Leu (NM_001407296.1); c.2965A>C, p.Ile989Leu (NM_001407297.1); c.2875A>C, p.Ile959Leu (NM_001407298.1, NM_001407302.1); c.3037A>C, p.Ile1013Leu (NM_001407299.1, NM_001407301.1); c.2152A>C, p.Ile718Leu (NM_001407304.1, NM_001407305.1, NM_001407306.1 and 4 more transcripts); c.1990A>C, p.Ile664Leu (NM_001407307.1); short protein forms I664L, I989L, I1013L, I718L, I959L, I191L, I417L, I993L.
Identifiers: ClinVar variation 1799095 (VCV001799095.2), dbSNP rs1567212950, ClinGen allele CA395143062.